The following is an entry in ClinVar:

ClinVar aggregate classification (germline): Likely benign (1 of 4 stars; one submission).

gnomAD v4.1: 5 of 1,211,331 alleles (0.00041%); highest among the groups gnomAD compares: Admixed American, 0.011%; no homozygotes.

Submission:

CeGaT Center for Human Genetics Tuebingen
Classification: Likely benign. Last evaluated: 2026-01-01. Review status: criteria provided, single submitter. Criteria: CeGaT Center For Human Genetics Tuebingen Variant Classification Criteria Version 2. Collection method: clinical testing. Allele origin: germline. Affected: yes. Observed: 1 variant allele.
Comment: PTCHD1: BP4, BP7

NM_173495.3(PTCHD1):c.147G>A (p.Glu49=)

Gene: PTCHD1 (patched domain containing 1; plus strand). Cytogenetic location: Xp22.11.
Variant type: single nucleotide variant.
Coding change: c.147G>A on transcript NM_173495.3 (MANE Select); coding-DNA position 147, G replaced by A.
Protein change: p.Glu49=; no amino-acid change (glutamic acid 49 retained).
Molecular consequence: synonymous variant.
Genome position (GRCh38, 1-based): chrX:23,335,022, G>A. VCF-style: chrX-23335022-G-A. GRCh37 (hg19) VCF-style: chrX-23353139-G-A.
Identifiers: ClinVar variation 4821078 (VCV004821078.4).